The following is an entry in ClinVar:

NM_022482.5(GZF1):c.524G>T (p.Ser175Ile)

Gene: GZF1 (GDNF inducible zinc finger protein 1; plus strand). Cytogenetic location: 20p11.21.
Variant type: single nucleotide variant.
Coding change: c.524G>T on transcript NM_022482.5 (MANE Select); coding-DNA position 524, G replaced by T.
Protein change: p.Ser175Ile; replaces serine 175 with isoleucine.
Molecular consequence: missense variant.
Genome position (GRCh38, 1-based): chr20:23,364,907, G>T. VCF-style: chr20-23364907-G-T. GRCh37 (hg19) VCF-style: chr20-23345544-G-T.
Other names: c.524G>T, p.Ser175Ile (NM_001317012.2, NM_001317019.1); short protein forms S175I.
Identifiers: ClinVar variation 1495364 (VCV001495364.6), dbSNP rs375809914, ClinGen allele CA9788524.

ClinVar aggregate classification (germline): Uncertain significance (1 of 4 stars; one submission).

Allele frequency attached by ClinVar (database versions not stated): gnomAD exomes 0.00001 and 0.00002; TOPMed 0.00001; ExAC 0.00002; ESP Exome Variant Server 0.00008.
gnomAD v4.1: 21 of 1,614,238 alleles (0.0013%); highest among the groups gnomAD compares: Middle Eastern, 0.033%; no homozygotes.

Submission:

Labcorp Genetics (formerly Invitae), Labcorp
Classification: Uncertain significance. Last evaluated: 2021-09-19. Review status: criteria provided, single submitter. Criteria: Invitae Variant Classification Sherloc (09022015). Collection method: clinical testing. Allele origin: germline.
Comment: In summary, the available evidence is currently insufficient to determine the role of this variant in disease. Therefore, it has been classified as a Variant of Uncertain Significance. Algorithms developed to predict the effect of missense changes on protein structure and function are either unavailable or do not agree on the potential impact of this missense change (SIFT: "Not Available"; PolyPhen-2: "Benign"; Align-GVGD: "Not Available"). This sequence change replaces serine with isoleucine at codon 175 of the GZF1 protein (p.Ser175Ile). The serine residue is weakly conserved and there is a large physicochemical difference between serine and isoleucine. This variant is present in population databases (rs375809914, ExAC 0.02%). This variant has not been reported in the literature in individuals affected with GZF1-related conditions.